The following is an entry in ClinVar:

ClinVar aggregate classification (germline): Likely benign. Review status: criteria provided, multiple submitters, no conflicts (2 of 4 stars). 2 submissions from 2 submitters: Likely benign (2). Last evaluated 2025-01-27.

Allele frequency attached by ClinVar (database versions not stated): gnomAD exomes below 0.00001; gnomAD 0.00001 and 0.00003; TOPMed 0.00003.
gnomAD v4.1: 13 of 1,613,826 alleles (0.00081%); highest among the groups gnomAD compares: Admixed American, 0.005%; no homozygotes.

Submissions (2):

Labcorp Genetics (formerly Invitae), Labcorp
Classification: Likely benign. Last evaluated: 2025-01-27. Review status: criteria provided, single submitter. Criteria: Invitae Variant Classification Sherloc (09022015). Collection method: clinical testing. Allele origin: germline.

GeneDx
Classification: Likely benign. Last evaluated: 2017-03-22. Review status: criteria provided, single submitter. Criteria: GeneDx Variant Classification (06012015). Collection method: clinical testing. Allele origin: germline. Affected: yes.
Comment: This variant is considered likely benign or benign based on one or more of the following criteria: it is a conservative change, it occurs at a poorly conserved position in the protein, it is predicted to be benign by multiple in silico algorithms, and/or has population frequency not consistent with disease.

NM_213649.2(SFXN4):c.873T>C (p.Cys291=)

Gene: SFXN4 (sideroflexin 4; minus strand). Cytogenetic location: 10q26.11.
Variant type: single nucleotide variant.
Coding change: c.873T>C on transcript NM_213649.2 (MANE Select); coding-DNA position 873, T replaced by C.
Protein change: p.Cys291=; no amino-acid change (cysteine 291 retained).
Molecular consequence: synonymous variant. On other transcripts: non-coding transcript variant (1).
Genome position (GRCh38, 1-based): chr10:119,146,299, A>G on the plus strand (T>C on the coding strand, the complement: SFXN4 is on the minus strand). VCF-style: chr10-119146299-A-G. GRCh37 (hg19) VCF-style: chr10-120905811-A-G.
Identifiers: ClinVar variation 507885 (VCV000507885.6), dbSNP rs987632424, ClinGen allele CA214164650.